The following is an entry in ClinVar:

ClinVar aggregate classification (germline): Pathogenic/Likely pathogenic. Review status: criteria provided, multiple submitters, no conflicts (2 of 4 stars). 7 submissions from 7 submitters: Pathogenic (1); Likely pathogenic (6). Last evaluated 2026-09-14.

Conditions:
Cardiovascular phenotype. Identifiers: MedGen CN230736.
TTN-related disorder. Also called: TTN-related disorders; TTN-related condition; TTN-related disease.
Dilated cardiomyopathy 1G (CMD1G). Identifiers: Orphanet 154, MedGen C1858763, MONDO:0011400, OMIM 604145.
Autosomal recessive limb-girdle muscular dystrophy type 2J (LGMDR10). Also called: Limb-girdle muscular dystrophy, type 2J; MUSCULAR DYSTROPHY, LIMB-GIRDLE, AUTOSOMAL RECESSIVE 10. Identifiers: Orphanet 140922, MedGen C1837342, MONDO:0012127, OMIM 608807.
Primary familial dilated cardiomyopathy (FDC). Also called: Hypokinetic dilated cardiomyopathy, familial; Familial dilated cardiomyopathy. Identifiers: Orphanet 217607, MedGen C0340427, MONDO:0016333.
Myopathy, myofibrillar, 9, with early respiratory failure (MFM9). Also called: MYOPATHY, PROXIMAL, WITH EARLY RESPIRATORY MUSCLE INVOLVEMENT; Hereditary myopathy with early respiratory failure; Myopathy, distal, with early respiratory failure, autosomal dominant; EDSTROM MYOPATHY. Identifiers: Orphanet 178464, Orphanet 34521, MedGen C1863599, MONDO:0011362, OMIM 603689.
Hypertrophic cardiomyopathy 9. Also called: Familial hypertrophic cardiomyopathy 9. Identifiers: MedGen C1861065, MONDO:0013412, OMIM 613765.
Early-onset myopathy with fatal cardiomyopathy (CMYO5). Also called: Salih Myopathy; CONGENITAL MYOPATHY 5 WITH CARDIOMYOPATHY. Identifiers: Orphanet 289377, MedGen C2673677, MONDO:0012714, OMIM 611705. Disease mechanism: loss of function.
Tibial muscular dystrophy (TMD). Also called: UDD MYOPATHY; Tibial muscular dystrophy, tardive; Udd Distal Myopathy – Tibial Muscular Dystrophy. Identifiers: Orphanet 609, MedGen C1838244, MONDO:0010870, OMIM 600334.

Allele frequency attached by ClinVar (database versions not stated): TOPMed below 0.00001; gnomAD 0.00001; gnomAD exomes below 0.00001.

Submissions (7):

Ambry Genetics
Classification: Likely pathogenic for Cardiovascular phenotype. Last evaluated: 2026-09-14. Review status: criteria provided, single submitter. Criteria: Ambry Variant Classification Scheme 2023. Collection method: clinical testing. Allele origin: germline.
Comment: The c.55869_55878del10 variant, located in coding exon 153 of the TTN gene, results from a deletion of 10 nucleotides at nucleotide positions 55869 to 55878, causing a translational frameshift with a predicted alternate stop codon (p.A18624Lfs*31). This exon is located in the A-band region of the N2-B isoform of the titin protein and is constitutively expressed in TTN transcripts (percent spliced in or PSI 100%). This variant is expected to result in loss of function by premature protein truncation or nonsense-mediated mRNA decay. While truncating variants in TTN are present in 1-3% of the general population, truncating variants in the A-band are the most common cause of dilated cardiomyopathy (Herman DS et al. N. Engl. J. Med., 2012 Feb;366:619-28; Roberts AM et al. Sci Transl Med, 2015 Jan;7:270ra6). TTN truncating variants encoded in constitutive exons (PSI >90%) have been found to be significantly associated with DCM regardless of their position in titin (Schafer S et al. Nat. Genet., 2017 01;49:46-53; Akhtar MM et al. Circ Heart Fail, 2020 Oct;13:e006832; Massier M et al. Clin Genet, 2025 Jan). Based on the majority of available evidence to date, this variant is likely to be pathogenic.

GeneDx
Classification: Pathogenic. Last evaluated: 2026-08-27. Review status: criteria provided, single submitter. Criteria: GeneDx Variant Classification Process June 2021. Collection method: clinical testing. Allele origin: germline.
Comment: Frameshift variant predicted to result in protein truncation or nonsense mediated decay in a gene for which loss of function is a known mechanism of disease; Located in the A-band, a region of TTN for which truncating variants are significantly associated with autosomal dominant cardiomyopathy and also with autosomal recessive skeletal myopathies (PMID: 22335739, 32778822); Not observed at significant frequency in large population cohorts (gnomAD); Reported in association with DCM in published literature (PMID: 35470680); This variant is associated with the following publications: (PMID: 22335739, 32778822, 24575448, 35470680)

Women's Health and Genetics/Laboratory Corporation of America, LabCorp
Classification: Likely pathogenic for Primary familial dilated cardiomyopathy. Last evaluated: 2025-12-17. Review status: criteria provided, single submitter. Criteria: LabCorp Variant Classification Summary - May 2015. Collection method: clinical testing. Allele origin: germline.
Comment: Variant summary: TTN c.75360_75369del10 (p.Ala25121LeufsX31) results in a premature termination codon, predicted to cause a truncation of the encoded protein or absence of the protein due to nonsense mediated decay, which are commonly known mechanisms for disease. Loss of function variants in all TTN bands are strongly associated with a spectrum of autosomal recessive titinopathies when exon expression (proportion spliced in, PSI, 1=complete expression) in skeletal muscle is >0.1 (PMID: 36977548, 39198997, 29598826, 32778822, 29691892, 33449170, 36977548, internal data). In contrast, loss of function variants in all TTN bands are only strongly associated with autosomal dominant TTN-related cardiomyopathies if located in exons constitutively expressed (PSI >0.9) in cardiac muscle, excluding extreme C-terminal exons 359-363 (PMID: 25589632, 31216868, 32964742, 34662387, 27869827, Shetty et al., Nat Cardiovasc Res 2024,, internal data). This variant has a maximum skeletal muscle PSI of 0.968 and a maximum cardiac muscle PSI of 1.000. The variant was absent in 248898 control chromosomes. c.75360_75369del10 has been observed in at least 1 individual(s) affected with Dilated Cardiomyopathy (example, Labcorp Genetics (formerly Invitae)). These report(s) do not provide unequivocal conclusions about association of the variant with Dilated Cardiomyopathy. To our knowledge, no experimental evidence demonstrating an impact on protein function has been reported. ClinVar contains an entry for this variant (Variation ID: 202479). Based on the evidence outlined above, the variant was classified as likely pathogenic for both autosomal dominant and autosomal recessive TTN-related conditions.

Labcorp Genetics (formerly Invitae), Labcorp
Classification: Likely pathogenic for Dilated cardiomyopathy 1G; Autosomal recessive limb-girdle muscular dystrophy type 2J. Last evaluated: 2025-12-09. Review status: criteria provided, single submitter. Criteria: Invitae Variant Classification Sherloc (09022015). Collection method: clinical testing. Allele origin: germline.
Comment: This sequence change creates a premature translational stop signal (p.Ala27689Leufs*31) in the TTN gene. While this is not anticipated to result in nonsense mediated decay, it is expected to create a truncated TTN protein. This variant is not present in population databases (gnomAD no frequency). This premature translational stop signal has been observed in individual(s) with cardiomyopathy (internal data). ClinVar contains an entry for this variant (Variation ID: 202479). This variant is located in the A band of TTN (PMID: 25589632). Truncating variants in this region are significantly overrepresented in patients affected with dilated cardiomyopathy (PMID: 25589632). Truncating variants in this region have also been reported in individuals affected with autosomal recessive centronuclear myopathy (PMID: 23975875). In summary, the currently available evidence indicates that the variant is pathogenic, but additional data are needed to prove that conclusively. Therefore, this variant has been classified as Likely Pathogenic.

Rady Children's Institute for Genomic Medicine, Rady Children's Hospital San Diego
Classification: Likely pathogenic for TTN-related disorders. Last evaluated: 2024-11-13. Review status: criteria provided, single submitter. Criteria: ACMG Guidelines, 2015. Collection method: clinical testing. Allele origin: germline. Affected: yes.
Comment: This frameshifting variant in exon 326 of 363 is predicted to result in loss of normal protein function through either protein truncation or nonsense-mediated mRNA decay. Loss-of-function variation in TTN is an established mechanism of disease (PMID: 22335739). The c.83064_83073del (p.Ala27689LeufsTer31) variant is located in the A-band region of TTN and is present in a constitutively expressed exon (percent spliced in or PSI 100%). Loss-of-function variants located in constitutively expressed exons (PSI >90%) have been reported to be enriched in dilated cardiomyopathy regardless of their position in the titin protein (PMID: 27869827). This variant has been previously reported as a heterozygous change in a patient with isolated left ventricular non-compaction (PMID: 35470680). The c.83064_83073del (p.Ala27689LeufsTer31) variant is present in the latest version of the gnomAD population database at an allele frequency of 0.0001% (2/1613530) and thus is presumed to be rare. Based on the available evidence, c.83064_83073del (p.Ala27689LeufsTer31) is classified as Likely Pathogenic.

Revvity Omics, Revvity
Classification: Likely pathogenic. Last evaluated: 2023-08-06. Review status: criteria provided, single submitter. Criteria: ACMG Guidelines, 2015. Collection method: clinical testing. Allele origin: germline.

Fulgent Genetics
Classification: Likely pathogenic for Tibial muscular dystrophy; Myopathy, myofibrillar, 9, with early respiratory failure; Dilated cardiomyopathy 1G; Autosomal recessive limb-girdle muscular dystrophy type 2J; Early-onset myopathy with fatal cardiomyopathy; Hypertrophic cardiomyopathy 9. Last evaluated: 2021-10-02. Review status: criteria provided, single submitter. Criteria: ACMG Guidelines, 2015. Collection method: clinical testing. Allele origin: unknown.

Literature cited by the submitters: PubMed 35470680 (cited by Ambry Genetics and Rady Children's Institute for Genomic Medicine, Rady Children's Hospital San Diego); PubMed 25589632 (cited by Labcorp Genetics (formerly Invitae), Labcorp); PubMed 23975875 (cited by Labcorp Genetics (formerly Invitae), Labcorp); PubMed 22335739 (cited by Rady Children's Institute for Genomic Medicine, Rady Children's Hospital San Diego); PubMed 27869827 (cited by Rady Children's Institute for Genomic Medicine, Rady Children's Hospital San Diego).

NM_001267550.2(TTN):c.83064_83073del (p.Ala27689fs)

Genes: TTN (titin; minus strand), TTN-AS1 (TTN antisense RNA 1; plus strand). Cytogenetic location: 2q31.2.
Variant type: Deletion.
Coding change: c.83064_83073del on transcript NM_001267550.2 (MANE Select); coding-DNA positions 83064 to 83073, 10 bases deleted (TGCAAGTGCT; older notation c.83064_83073delTGCAAGTGCT).
Protein change: p.Ala27689fs; shifts the reading frame from alanine 27689.
Molecular consequence: frameshift variant.
Genome position (GRCh38, 1-based): chr2:178,563,059-178,563,068, AGCACTTGCA deleted on the plus strand (TGCAAGTGCT on the coding strand, the reverse complement: TTN is on the minus strand). VCF-style (leftmost placement, unchanged base first): chr2-178563058-TAGCACTTGCA-T. GRCh37 (hg19) VCF-style: chr2-179427785-TAGCACTTGCA-T.
Other names: c.78141_78150del, p.Ala26048fs (NM_001256850.1); c.55869_55878del, p.Ala18624fs (NM_003319.4); c.75360_75369del, p.Ala25121fs (NM_133378.4); c.56244_56253del, p.Ala18749fs (NM_133432.3); c.56445_56454del, p.Ala18816fs (NM_133437.4); c.78141_78150delTGCAAGTGCT (NM_001256850.1); c.83064_83073delTGCAAGTGCT (NM_001267550.2); c.83064_83073del (NM_001267550.1); and 2 more; short protein forms A27689fs, A18624fs, A25121fs, A26048fs, A18749fs, A18816fs.
Identifiers: ClinVar variation 202479 (VCV000202479.22), dbSNP rs794729351, ClinGen allele CA309442.